The following is an entry in ClinVar:

ClinVar aggregate classification (germline): Pathogenic (1 of 4 stars; one submission).

Conditions:
Retinitis pigmentosa 73 (RP73). Identifiers: Orphanet 791, MedGen C4225287, MONDO:0014687, OMIM 616544.
Mucopolysaccharidosis, MPS-III-C (MPS3C). Also called: SANFILIPPO SYNDROME C; MPS III C; mucopolysaccharidosis type 3C; MPS IIIC (Sanfilippo Syndrome Type C); MUCOPOLYSACCHARIDOSIS, TYPE IIIC; Mucopolysaccharidosis type IIIC (Sanfilippo C). Identifiers: Orphanet 581, Orphanet 79271, MedGen C0086649, MONDO:0009657, OMIM 252930.

Submission:

Labcorp Genetics (formerly Invitae), Labcorp
Classification: Pathogenic for Retinitis pigmentosa 73; Mucopolysaccharidosis, MPS-III-C. Last evaluated: 2023-06-04. Review status: criteria provided, single submitter. Criteria: Invitae Variant Classification Sherloc (09022015). Collection method: clinical testing. Allele origin: unknown.
Comment: For these reasons, this variant has been classified as Pathogenic. This variant disrupts a region of the HGSNAT protein in which other variant(s) (p.Ala489Glu) have been determined to be pathogenic (PMID: 19479962, 19823584, 20583299, 31228227). This suggests that this is a clinically significant region of the protein, and that variants that disrupt it are likely to be disease-causing. This variant has not been reported in the literature in individuals affected with HGSNAT-related conditions. This variant is a gross deletion of the genomic region encompassing exon(s) 15-18 of the HGSNAT gene, which includes the termination codon. This deletion extends beyond the assayed region for this gene and therefore may encompass additional genes. While this deletion is not anticipated to lead to nonsense mediated decay, it is expected to alter mRNA translation or result in a truncated protein product.

Literature cited by the submitters: PubMed 19479962; PubMed 19823584; PubMed 20583299; PubMed 31228227.

NC_000008.10:g.(?_43052071)_(43054712_?)del

Gene: HGSNAT (heparan-alpha-glucosaminide N-acetyltransferase; plus strand). Cytogenetic location: 8p11.21.
Variant type: Deletion.
Identifiers: ClinVar variation 3245538 (VCV003245538.1).